The following is an entry in ClinVar:

NM_001851.6(COL9A1):c.2335G>T (p.Ala779Ser)

Gene: COL9A1 (collagen type IX alpha 1 chain; minus strand). Cytogenetic location: 6q13.
Variant type: single nucleotide variant.
Coding change: c.2335G>T on transcript NM_001851.6 (MANE Select); coding-DNA position 2335, G replaced by T.
Protein change: p.Ala779Ser; replaces alanine 779 with serine.
Molecular consequence: missense variant. On other transcripts: non-coding transcript variant (1).
Genome position (GRCh38, 1-based): chr6:70,232,751, C>A on the plus strand (G>T on the coding strand, the complement: COL9A1 is on the minus strand). VCF-style: chr6-70232751-C-A. GRCh37 (hg19) VCF-style: chr6-70942454-C-A.
Other names: c.1636G>T, p.Ala546Ser (NM_001377289.1); c.1459G>T, p.Ala487Ser (NM_001377290.1); c.1606G>T, p.Ala536Ser (NM_078485.4); short protein forms A536S, A546S, A779S, A487S.
Identifiers: ClinVar variation 1504697 (VCV001504697.6), dbSNP rs961499099, ClinGen allele CA140846117.
Genomic context (GRCh38, chr6:70,232,751, plus strand): 5'-CAGGAGGGCCAGGCCTTCCAGGAAGCCCAGTGGCACCTGAGTCTGGACGCTTAAGACTGG[C>A]AGCCATCTCAGCAAAATGTTCTAAAAGAGAATAAACAAAACAACCCAGAAGTGTCAGAAA-3'
Protein context (NP_001842.3, residues 769-789): VIQEHFAEMA[Ala779Ser]SLKRPDSGAT

ClinVar aggregate classification (germline): Uncertain significance. Review status: criteria provided, multiple submitters, no conflicts (2 of 4 stars). 2 submissions from 2 submitters: Uncertain significance (2). Last evaluated 2022-09-07.

Allele frequency attached by ClinVar (database versions not stated): gnomAD exomes below 0.00001; gnomAD 0.00002; TOPMed 0.00005.
gnomAD v4.1: 5 of 1,613,162 alleles (0.00031%); highest among the groups gnomAD compares: African/African-American, 0.0067%; no homozygotes.

Submissions (2):

Labcorp Genetics (formerly Invitae), Labcorp
Classification: Uncertain significance. Last evaluated: 2022-09-07. Review status: criteria provided, single submitter. Criteria: Invitae Variant Classification Sherloc (09022015). Collection method: clinical testing. Allele origin: germline.
Comment: This sequence change replaces alanine, which is neutral and non-polar, with serine, which is neutral and polar, at codon 779 of the COL9A1 protein (p.Ala779Ser). The frequency data for this variant in the population databases is considered unreliable, as metrics indicate poor data quality at this position in the gnomAD database. This variant has not been reported in the literature in individuals affected with COL9A1-related conditions. ClinVar contains an entry for this variant (Variation ID: 1504697). Advanced modeling of protein sequence and biophysical properties (such as structural, functional, and spatial information, amino acid conservation, physicochemical variation, residue mobility, and thermodynamic stability) performed at Invitae indicates that this missense variant is not expected to disrupt COL9A1 protein function. In summary, the available evidence is currently insufficient to determine the role of this variant in disease. Therefore, it has been classified as a Variant of Uncertain Significance.

Blueprint Genetics
Classification: Uncertain significance. Last evaluated: 2021-06-02. Review status: criteria provided, single submitter. Criteria: ACMG Guidelines, 2015. Collection method: clinical testing. Allele origin: germline.